The following is an entry in ClinVar:

NM_020911.2(PLXNA4):c.810C>A (p.Thr270=)

Gene: PLXNA4 (plexin A4; minus strand). Cytogenetic location: 7q32.3.
Variant type: single nucleotide variant.
Coding change: c.810C>A on transcript NM_020911.2 (MANE Select); coding-DNA position 810, C replaced by A.
Protein change: p.Thr270=; no amino-acid change (threonine 270 retained).
Molecular consequence: synonymous variant.
Genome position (GRCh38, 1-based): chr7:132,507,884, G>T on the plus strand (C>A on the coding strand, the complement: PLXNA4 is on the minus strand). VCF-style: chr7-132507884-G-T. GRCh37 (hg19) VCF-style: chr7-132192643-G-T.
Other names: c.810C>A, p.Thr270= (NM_001105543.2, NM_001393897.1, NM_181775.4).
Identifiers: ClinVar variation 4985050 (VCV004985050.1).
Genomic context (GRCh38, chr7:132,507,884, plus strand): 5'-GAAGGCTGTGTCCTCCTTGCAAAGCCTCACGAGCTTGGATGTATACACCTGCTCCTTGGT[G>T]GTGGAGCCTGGTGGAGACACCATCTCAGGTTGGAGGGTCAAAAAGTAGACAAAGTTGCCA-3'
Protein context (NP_065962.1, residues 260-280): QPEMVSPPGS[Thr270=]TKEQVYTSKL

ClinVar aggregate classification (germline): Likely benign (1 of 4 stars; one submission).

Conditions:
PLXNA4-related disorder. Also called: PLXNA4-related condition.

gnomAD v4.1: 1 of 1,614,056 alleles (0.000062%); highest among the groups gnomAD compares: African/African-American, 0.0013%; no homozygotes.

Submission:

PreventionGenetics, part of Exact Sciences
Classification: Likely benign for PLXNA4-related condition. Last evaluated: 2025-01-03. Review status: criteria provided, single submitter. Criteria: ACMG Guidelines, 2015. Collection method: clinical testing. Allele origin: germline.
Comment: This variant is classified as likely benign based on ACMG/AMP sequence variant interpretation guidelines (Richards et al. 2015 PMID: 25741868, with internal and published modifications).